The following is an entry in ClinVar:

ClinVar aggregate classification (germline): Uncertain significance (1 of 4 stars; one submission).

Conditions:
Familial Mediterranean fever (FMF). Also called: POLYSEROSITIS, FAMILIAL PAROXYSMAL; POLYSEROSITIS, RECURRENT; Periodic peritonitis; Benign paroxysmal peritonitis. Identifiers: Orphanet 342, MedGen C0031069, MONDO:0018088, OMIM 249100. Disease mechanism: gain of function.

gnomAD v4.1: 1 of 1,614,154 alleles (0.000062%); highest among the groups gnomAD compares: African/African-American, 0.0013%; no homozygotes.

Submission:

Labcorp Genetics (formerly Invitae), Labcorp
Classification: Uncertain significance for Familial Mediterranean fever. Last evaluated: 2024-10-19. Review status: criteria provided, single submitter. Criteria: Invitae Variant Classification Sherloc (09022015). Collection method: clinical testing. Allele origin: germline.
Comment: This sequence change replaces methionine, which is neutral and non-polar, with leucine, which is neutral and non-polar, at codon 694 of the MEFV protein (p.Met694Leu). This variant is not present in population databases (gnomAD no frequency). This missense change has been observed in individual(s) with clinical features of familial Mediterranean fever (PMID: 16730661, 23463692, 25703702, 31512232). An algorithm developed to predict the effect of missense changes on protein structure and function (PolyPhen-2) suggests that this variant is likely to be tolerated. This variant disrupts the p.Met694 amino acid residue in MEFV. Other variant(s) that disrupt this residue have been determined to be pathogenic (PMID: 9781020, 10364520, 20008920, 21290976, 22037353, 24318677). This suggests that this residue is clinically significant, and that variants that disrupt this residue are likely to be disease-causing. In summary, the available evidence is currently insufficient to determine the role of this variant in disease. Therefore, it has been classified as a Variant of Uncertain Significance.

Literature cited by the submitters: PubMed 16730661; PubMed 23463692; PubMed 25703702; PubMed 31512232; PubMed 9781020; PubMed 10364520; PubMed 20008920; PubMed 21290976; PubMed 22037353; PubMed 24318677.

NM_000243.3(MEFV):c.2080A>C (p.Met694Leu)

Genes: MEFV (MEFV innate immunity regulator, pyrin; minus strand), LOC126862264 (CDK7 strongly-dependent group 2 enhancer GRCh37_chr16:3293322-3294521; plus strand). Cytogenetic location: 16p13.3.
Variant type: single nucleotide variant.
Coding change: c.2080A>C on transcript NM_000243.3 (MANE Select); coding-DNA position 2080, A replaced by C.
Protein change: p.Met694Leu; replaces methionine 694 with leucine.
Molecular consequence: missense variant. On other transcripts: 3 prime UTR variant (1).
Genome position (GRCh38, 1-based): chr16:3,243,407, T>G on the plus strand (A>C on the coding strand, the complement: MEFV is on the minus strand). VCF-style: chr16-3243407-T-G. GRCh37 (hg19) VCF-style: chr16-3293407-T-G.
Other names: c.*284A>C (NM_001198536.2); short protein forms M694L.
Identifiers: ClinVar variation 3689508 (VCV003689508.2).